The following is an entry in ClinVar:

ClinVar aggregate classification (germline): Uncertain significance. Review status: criteria provided, multiple submitters, no conflicts (2 of 4 stars). 3 submissions from 3 submitters: Uncertain significance (2). 1 of the submissions does not count toward it. Last evaluated 2025-05-07.

Conditions:
Long QT syndrome (LQTS). Identifiers: MedGen C0023976, MeSH D008133, MONDO:0002442. Disease mechanism: loss of function. Inheritance: Various modes of inheritance.
Cardiovascular phenotype. Identifiers: MedGen CN230736.
ANK2-related disorder. Also called: ANK2-related condition.

Allele frequency attached by ClinVar (database versions not stated): gnomAD 0.00001; gnomAD exomes 0.00001; TOPMed 0.00002; ExAC 0.00003.
gnomAD v4.1: 29 of 1,613,674 alleles (0.0018%); highest among the groups gnomAD compares: African/African-American, 0.004%; no homozygotes.

Submissions (3):

Labcorp Genetics (formerly Invitae), Labcorp
Classification: Uncertain significance for Long QT syndrome. Last evaluated: 2025-05-07. Review status: criteria provided, single submitter. Criteria: Invitae Variant Classification Sherloc (09022015). Collection method: clinical testing. Allele origin: germline.
Comment: This sequence change falls in intron 27 of the ANK2 gene. It does not directly change the encoded amino acid sequence of the ANK2 protein. It affects a nucleotide within the consensus splice site. This variant is present in population databases (rs763791737, gnomAD 0.003%). This variant has not been reported in the literature in individuals affected with ANK2-related conditions. ClinVar contains an entry for this variant (Variation ID: 644240). Variants that disrupt the consensus splice site are a relatively common cause of aberrant splicing (PMID: 17576681, 9536098). Algorithms developed to predict the effect of sequence changes on RNA splicing suggest that this variant is not likely to affect RNA splicing. In summary, the available evidence is currently insufficient to determine the role of this variant in disease. Therefore, it has been classified as a Variant of Uncertain Significance.

Ambry Genetics
Classification: Uncertain significance for Cardiovascular phenotype. Last evaluated: 2021-10-13. Review status: criteria provided, single submitter. Criteria: Ambry Variant Classification Scheme 2023. Collection method: clinical testing. Allele origin: germline.
Comment: The c.3125+6G>A intronic alteration results from a G to A substitution 6 nucleotides after coding exon 27 of the ANK2 gene. Based on insufficient or conflicting evidence, the clinical significance of this alteration remains unclear.

PreventionGenetics, part of Exact Sciences
Classification: Likely benign for ANK2-related condition. Last evaluated: 2022-12-06. Review status: no assertion criteria provided. Collection method: clinical testing. Allele origin: germline. Not counted in ClinVar's aggregate classification.
Comment: This variant is classified as likely benign based on ACMG/AMP sequence variant interpretation guidelines (Richards et al. 2015 PMID: 25741868, with internal and published modifications).

Literature cited by the submitters: PubMed 17576681 (cited by Labcorp Genetics (formerly Invitae), Labcorp); PubMed 9536098 (cited by Labcorp Genetics (formerly Invitae), Labcorp).

NM_001148.6(ANK2):c.3125+6G>A

Gene: ANK2 (ankyrin 2; plus strand). Cytogenetic location: 4q26.
Variant type: single nucleotide variant.
Coding change: c.3125+6G>A on transcript NM_001148.6 (MANE Select); 6 bases into the intron after coding-DNA position 3125, G replaced by A.
Molecular consequence: intron variant.
Genome position (GRCh38, 1-based): chr4:113,330,476, G>A. VCF-style: chr4-113330476-G-A. GRCh37 (hg19) VCF-style: chr4-114251632-G-A.
Other names: c.3110+6G>A (NM_001386186.2, NM_001386148.2); c.2912+6G>A (NM_001354269.3); c.3089+6G>A (NM_001386187.2); c.3083+6G>A (NM_001386147.1, NM_001354261.2); c.3068+6G>A (NM_001386160.1); c.3074+6G>A (NM_001354254.2); c.3095+6G>A (NM_001354239.2, NM_001354252.2, NM_001354272.2); c.3059+6G>A (NM_001354244.2, NM_001354256.2, NM_001386161.1); and 23 more.
Identifiers: ClinVar variation 644240 (VCV000644240.8), dbSNP rs763791737, ClinGen allele CA3050768.